The following is an entry in ClinVar:

NM_000051.4(ATM):c.4110-3del

Gene: ATM (ATM serine/threonine kinase; plus strand). Cytogenetic location: 11q22.3.
Variant type: Deletion.
Coding change: c.4110-3del on transcript NM_000051.4 (MANE Select); 3 bases into the intron before coding-DNA position 4110, one base deleted (T; older notation c.4110-3delT).
Molecular consequence: intron variant.
Genome position (GRCh38, 1-based): chr11:108,288,974, T deleted; the last of 2 consecutive T bases (chr11:108,288,973-108,288,974); deleting either gives the same sequence. VCF-style (leftmost placement, unchanged base first): chr11-108288972-GT-G. GRCh37 (hg19) VCF-style: chr11-108159699-GT-G.
Other names: c.4110-3del (NM_001351834.2).
Identifiers: ClinVar variation 3253932 (VCV003253932.1), dbSNP rs2546903677.
Genomic context (GRCh38, chr11:108,288,972, plus strand): 5'-GTTCACTGGTCTATGAACAAAACTTTTTAAAACGATGACTGTATTTTTTCCCTTAACTCT[GT>G]TAGGGATTTGGATCCTGCTCCTAATCCACCTCATTTTCCATCGCATGTGATTAAAGCAAC-3'

ClinVar aggregate classification (germline): Likely benign (1 of 4 stars; one submission).

Conditions:
Familial cancer of breast. Also called: BREAST CANCER, FAMILIAL; Hereditary breast cancer; hereditary breast carcinoma. Identifiers: Orphanet 227535, MedGen C0346153, MONDO:0016419, OMIM 114480. Disease mechanism: loss of function.

Submission:

Myriad Genetics, Inc.
Classification: Likely benign for Familial cancer of breast. Last evaluated: 2024-05-16. Review status: criteria provided, single submitter. Criteria: Myriad Autosomal Dominant, Autosomal Recessive and X-Linked Classification Criteria (2023). Collection method: clinical testing. Allele origin: unknown.
Comment: This variant is considered likely benign. This variant is intronic and is not expected to impact mRNA splicing.